The following is an entry in ClinVar:

ClinVar aggregate classification (germline): Uncertain significance (1 of 4 stars; one submission).

Conditions:
Wilson disease (WND). Also called: Wilson's disease. Identifiers: Orphanet 905, MedGen C0019202, MONDO:0010200, OMIM 277900. Disease mechanism: loss of function.

Submission:

All of Us Research Program, National Institutes of Health
Classification: Uncertain significance for Wilson disease. Last evaluated: 2024-02-05. Review status: criteria provided, single submitter. Criteria: ACMG Guidelines, 2015. Collection method: clinical testing. Allele origin: germline. Inheritance: Autosomal recessive inheritance. Observed: 1 variant allele, 1 heterozygote.
Comment: This missense variant replaces threonine with serine at codon 894 of the ATP7B protein. Computational prediction suggests that this variant may have deleterious impact on protein structure and function (internally defined REVEL score threshold >= 0.7, PMID: 27666373). To our knowledge, functional studies have not been reported for this variant. This variant has not been reported in individuals affected with ATP7B-related disorders in the literature. This variant has not been identified in the general population by the Genome Aggregation Database (gnomAD). The available evidence is insufficient to determine the role of this variant in disease conclusively. Therefore, this variant is classified as a Variant of Uncertain Significance.

This study involves interpretation of variants in research participants for the purpose of population health screening. Participant phenotype was not available at the time of variant classification. Additional details can be found in publication PMID: 35346344, PMCID: PMC8962531

NM_000053.4(ATP7B):c.2681C>G (p.Thr894Ser)

Gene: ATP7B (ATPase copper transporting beta; minus strand). Cytogenetic location: 13q14.3.
Variant type: single nucleotide variant.
Coding change: c.2681C>G on transcript NM_000053.4 (MANE Select); coding-DNA position 2681, C replaced by G.
Protein change: p.Thr894Ser; replaces threonine 894 with serine.
Molecular consequence: missense variant.
Genome position (GRCh38, 1-based): chr13:51,950,056, G>C on the plus strand (C>G on the coding strand, the complement: ATP7B is on the minus strand). VCF-style: chr13-51950056-G-C. GRCh37 (hg19) VCF-style: chr13-52524192-G-C.
Other names: c.2429C>G, p.Thr810Ser (NM_001330579.2, NM_001406531.1, NM_001406532.1 and 1 more transcripts); c.2681C>G, p.Thr894Ser (NM_001406511.1, NM_001406512.1, NM_001406513.1 and 7 more transcripts); c.2648C>G, p.Thr883Ser (NM_001406514.1); c.2585C>G, p.Thr862Ser (NM_001406517.1, NM_001406518.1); c.2441C>G, p.Thr814Ser (NM_001406530.1); c.2447C>G, p.Thr816Ser (NM_001406534.1, NM_001406538.1, NM_001330578.2 and 2 more transcripts); c.2351C>G, p.Thr784Ser (NM_001406536.1); c.2537C>G, p.Thr846Ser (NM_001406537.1, NM_001406520.1, NM_001406521.1 and 1 more transcripts); and 8 more; short protein forms T464S, T678S, T700S, T732S, T751S, T778S, T783S, T784S.
Identifiers: ClinVar variation 3075464 (VCV003075464.1), dbSNP rs1340729837, ClinGen allele CA388034332.